The following is an entry in ClinVar:

ClinVar aggregate classification (germline): Benign/Likely benign. Review status: criteria provided, multiple submitters, no conflicts (2 of 4 stars). 3 submissions from 3 submitters: Benign (1); Likely benign (2). Last evaluated 2025-08-14.

Conditions:
Hereditary cancer-predisposing syndrome. Also called: Neoplastic Syndromes, Hereditary; Hereditary Cancer Syndrome; Hereditary neoplastic syndrome; Tumor predisposition. Identifiers: Orphanet 140162, MedGen C0027672, MeSH D009386, MONDO:0015356.
Tuberous sclerosis 1 (TSC1). Identifiers: Orphanet 805, MedGen C1854465, MONDO:0008612, OMIM 191100.

gnomAD v4.1: 2 of 1,614,116 alleles (0.00012%); highest among the groups gnomAD compares: Non-Finnish European, 0.00017%; no homozygotes.

Submissions (3):

Ambry Genetics
Classification: Likely benign for Hereditary cancer-predisposing syndrome. Last evaluated: 2025-08-14. Review status: criteria provided, single submitter. Criteria: Ambry Variant Classification Scheme 2023. Collection method: clinical testing. Allele origin: germline.

Myriad Genetics, Inc.
Classification: Benign for Tuberous sclerosis 1. Last evaluated: 2025-04-10. Review status: criteria provided, single submitter. Criteria: Myriad Autosomal Dominant, Autosomal Recessive and X-Linked Classification Criteria (2023). Collection method: clinical testing. Allele origin: unknown.
Comment: This variant is considered benign. This variant is a silent/synonymous amino acid change and it is not expected to impact splicing.

Labcorp Genetics (formerly Invitae), Labcorp
Classification: Likely benign for Tuberous sclerosis 1. Last evaluated: 2025-02-16. Review status: criteria provided, single submitter. Criteria: Invitae Variant Classification Sherloc (09022015). Collection method: clinical testing. Allele origin: germline.

NM_000368.5(TSC1):c.1977G>T (p.Ala659=)

Gene: TSC1 (TSC complex subunit 1; minus strand). Cytogenetic location: 9q34.13.
Variant type: single nucleotide variant.
Coding change: c.1977G>T on transcript NM_000368.5 (MANE Select); coding-DNA position 1977, G replaced by T.
Protein change: p.Ala659=; no amino-acid change (alanine 659 retained).
Molecular consequence: synonymous variant.
Genome position (GRCh38, 1-based): chr9:132,905,601, C>A on the plus strand (G>T on the coding strand, the complement: TSC1 is on the minus strand). VCF-style: chr9-132905601-C-A. GRCh37 (hg19) VCF-style: chr9-135780988-C-A.
Other names: c.1977G>T (NM_000368.4); c.1974G>T, p.Ala658= (NM_001162426.2); c.1824G>T, p.Ala608= (NM_001162427.2); c.1614G>T, p.Ala538= (NM_001362177.2).
Identifiers: ClinVar variation 1121253 (VCV001121253.11), dbSNP rs35958226, ClinGen allele CA467812884.
Genomic context (GRCh38, chr9:132,905,601, plus strand): 5'-TGGACCATTTAACACAGAAGAGAGTGCCCCAGTCCCTTACTTGTTCAGCTCCTTGCTGTG[C>A]GCGTCTGCTCCCTGCTGTATCAGTCTGTCCAGCACTTCCATTGGGGAGGTAGAGGGCACA-3'
Protein context (NP_000359.1, residues 649-669): LDRLIQQGAD[Ala659=]HSKELNKLPL